The following is an entry in ClinVar:

ClinVar aggregate classification (germline): Benign/Likely benign. Review status: criteria provided, multiple submitters, no conflicts (2 of 4 stars). 5 submissions from 5 submitters: Benign (1); Likely benign (4). Last evaluated 2025-12-17.

Conditions:
Cardiovascular phenotype. Identifiers: MedGen CN230736.
Andersen Tawil syndrome (LQT7). Also called: PERIODIC PARALYSIS, POTASSIUM-SENSITIVE CARDIODYSRHYTHMIC TYPE; LONG QT SYNDROME 7; ANDERSEN CARDIODYSRHYTHMIC PERIODIC PARALYSIS; Andersen Syndrome; Potassium-sensitive periodic paralysis, ventricular ectopy, and dysmorphic features. Identifiers: Orphanet 37553, MedGen C1563715, MONDO:0008222, OMIM 170390.
Short QT syndrome type 3. Identifiers: Orphanet 51083, MedGen C1865018, MONDO:0012314, OMIM 609622.

Allele frequency attached by ClinVar (database versions not stated): gnomAD exomes 0.00005; ExAC 0.00006; gnomAD 0.00007; TOPMed 0.00007.
gnomAD v4.1: 166 of 1,613,878 alleles (0.01%); highest among the groups gnomAD compares: Non-Finnish European, 0.014%; no homozygotes.

Submissions (5):

Labcorp Genetics (formerly Invitae), Labcorp
Classification: Likely benign for Short QT syndrome type 3; Andersen Tawil syndrome. Last evaluated: 2025-12-17. Review status: criteria provided, single submitter. Criteria: Invitae Variant Classification Sherloc (09022015). Collection method: clinical testing. Allele origin: germline.

Mayo Clinic Laboratories, Mayo Clinic
Classification: Likely benign. Last evaluated: 2025-03-03. Review status: criteria provided, single submitter. Criteria: ACMG Guidelines, 2015. Collection method: clinical testing. Allele origin: germline. Observed: 1 variant allele.
Comment: BS2, BP4, BP7

ARUP Laboratories, Molecular Genetics and Genomics, ARUP Laboratories
Classification: Likely benign. Last evaluated: 2023-10-17. Review status: criteria provided, single submitter. Criteria: ARUP Molecular Germline Variant Investigation Process 2024. Collection method: clinical testing. Allele origin: germline.

Ambry Genetics
Classification: Likely benign for Cardiovascular phenotype. Last evaluated: 2021-09-16. Review status: criteria provided, single submitter. Criteria: Ambry Variant Classification Scheme 2023. Collection method: clinical testing. Allele origin: germline.

GeneDx
Classification: Benign. Last evaluated: 2014-11-04. Review status: criteria provided, single submitter. Criteria: GeneDx Variant Classification (06012015). Collection method: clinical testing. Allele origin: germline. Affected: yes.
Comment: This variant is considered likely benign or benign based on one or more of the following criteria: it is a conservative change, it occurs at a poorly conserved position in the protein, it is predicted to be benign by multiple in silico algorithms, and/or has population frequency not consistent with disease.

NM_000891.3(KCNJ2):c.1080C>T (p.Asp360=)

Gene: KCNJ2 (potassium inwardly rectifying channel subfamily J member 2; plus strand). Cytogenetic location: 17q24.3.
Variant type: single nucleotide variant.
Coding change: c.1080C>T on transcript NM_000891.3 (MANE Select); coding-DNA position 1080, C replaced by T.
Protein change: p.Asp360=; no amino-acid change (aspartic acid 360 retained).
Molecular consequence: synonymous variant.
Genome position (GRCh38, 1-based): chr17:70,176,119, C>T. VCF-style: chr17-70176119-C-T. GRCh37 (hg19) VCF-style: chr17-68172260-C-T.
Other names: p.D360D:GAC>GAT; p.Asp360=.
Identifiers: ClinVar variation 190803 (VCV000190803.15), dbSNP rs66476803, ClinGen allele CA302003.
Genomic context (GRCh38, chr17:70,176,119, plus strand): 5'-CTATTCCAGGTTCCACAAAACTTACGAAGTCCCCAACACTCCCCTTTGTAGTGCCAGAGA[C>T]TTAGCAGAAAAGAAATATATCCTCTCAAATGCAAATTCATTTTGCTATGAAAATGAAGTT-3'
Protein context (NP_000882.1, residues 350-370): VPNTPLCSAR[Asp360=]LAEKKYILSN